The following is an entry in ClinVar:

ClinVar aggregate classification (germline): Uncertain significance (1 of 4 stars; one submission).

Conditions:
3-methylglutaconic aciduria, type VIIB (MGCA7B). Also called: 3-methylglutaconic aciduria, type VII, with cataracts, neurologic involvement and neutropenia; CLPB Deficiency; 3-methylglutaconic aciduria with cataracts, neurologic involvement and neutropenia. Identifiers: Orphanet 445038, MedGen C5676893, MONDO:0014561, OMIM 616271.

gnomAD v4.1: 3 of 1,606,192 alleles (0.00019%); highest among the groups gnomAD compares: Middle Eastern, 0.017%; no homozygotes.

Submission:

Labcorp Genetics (formerly Invitae), Labcorp
Classification: Uncertain significance for 3-methylglutaconic aciduria, type VIIB. Last evaluated: 2024-04-15. Review status: criteria provided, single submitter. Criteria: Invitae Variant Classification Sherloc (09022015). Collection method: clinical testing. Allele origin: germline.
Comment: This sequence change replaces arginine, which is basic and polar, with leucine, which is neutral and non-polar, at codon 280 of the CLPB protein (p.Arg280Leu). This variant is not present in population databases (gnomAD no frequency). This variant has not been reported in the literature in individuals affected with CLPB-related conditions. An algorithm developed to predict the effect of missense changes on protein structure and function (PolyPhen-2) suggests that this variant is likely to be tolerated. In summary, the available evidence is currently insufficient to determine the role of this variant in disease. Therefore, it has been classified as a Variant of Uncertain Significance.

NM_001258392.3(CLPB):c.749G>T (p.Arg250Leu)

Gene: CLPB (ClpB family mitochondrial disaggregase; minus strand). Cytogenetic location: 11q13.4.
Variant type: single nucleotide variant.
Coding change: c.749G>T on transcript NM_001258392.3 (MANE Select); coding-DNA position 749, G replaced by T.
Protein change: p.Arg250Leu; replaces arginine 250 with leucine.
Molecular consequence: missense variant.
Genome position (GRCh38, 1-based): chr11:72,358,906, C>A on the plus strand (G>T on the coding strand, the complement: CLPB is on the minus strand). VCF-style: chr11-72358906-C-A. GRCh37 (hg19) VCF-style: chr11-72069950-C-A.
Other names: c.662G>T, p.Arg221Leu (NM_001258393.3); c.704G>T, p.Arg235Leu (NM_001258394.3); c.839G>T, p.Arg280Leu (NM_030813.6); short protein forms R280L, R250L, R221L, R235L.
Identifiers: ClinVar variation 3676652 (VCV003676652.2).